The following is an entry in ClinVar:

NM_002661.5(PLCG2):c.502A>G (p.Thr168Ala)

Gene: PLCG2 (phospholipase C gamma 2; plus strand). Cytogenetic location: 16q23.3.
Variant type: single nucleotide variant.
Coding change: c.502A>G on transcript NM_002661.5 (MANE Select); coding-DNA position 502, A replaced by G.
Protein change: p.Thr168Ala; replaces threonine 168 with alanine.
Molecular consequence: missense variant.
Genome position (GRCh38, 1-based): chr16:81,869,236, A>G. VCF-style: chr16-81869236-A-G. GRCh37 (hg19) VCF-style: chr16-81902841-A-G.
Other names: short protein forms T168A.
Identifiers: ClinVar variation 432319 (VCV000432319.38), dbSNP rs753974933, ClinGen allele CA8193249.
Genomic context (GRCh38, chr16:81,869,236, plus strand): 5'-CCCTCAAGGTGACAGAACTGGGTCTCCCTCTTTTGCAGCATCAGTCTCCGAGAGTTGAAG[A>G]CCATCTTGCCCCTGATCAACTTTAAAGTGAGCAGTGCCAAGTTCCTTAAAGATAAGTTTG-3'
Protein context (NP_002652.2, residues 158-178): RNSISLRELK[Thr168Ala]ILPLINFKVS

ClinVar aggregate classification (germline): Conflicting classifications of pathogenicity. Review status: criteria provided, conflicting classifications (1 of 4 stars). 5 submissions from 5 submitters: Uncertain significance (4); Likely benign (1). Last evaluated 2025-12-11.

Conditions:
Familial cold autoinflammatory syndrome 3 (FCAS3). Also called: ANTIBODY DEFICIENCY AND IMMUNE DYSREGULATION, PLCG2-ASSOCIATED; FAMILIAL ATYPICAL COLD URTICARIA. Identifiers: Orphanet 300359, MedGen C3280914, MONDO:0013766, OMIM 614468.
Autoinflammation-PLCG2-associated antibody deficiency-immune dysregulation. Also called: Autoinflammation, antibody deficiency, and immune dysregulation syndrome; AUTOINFLAMMATION, ANTIBODY DEFICIENCY, AND IMMUNE DYSREGULATION; Autoinflammation, antibody deficiency, and immune dysregulation, plcg2-associated. Identifiers: Orphanet 324530, MedGen C3553961, MONDO:0013944, OMIM 614878.

Allele frequency attached by ClinVar (database versions not stated): gnomAD exomes 0.00004 and 0.00002; TOPMed 0.00005; ExAC 0.00002; gnomAD 0.00003 and 0.00004.
gnomAD v4.1: 61 of 1,613,932 alleles (0.0038%); highest among the groups gnomAD compares: Middle Eastern, 0.049%; no homozygotes.

Submissions (5):

Labcorp Genetics (formerly Invitae), Labcorp
Classification: Uncertain significance for Familial cold autoinflammatory syndrome 3. Last evaluated: 2025-12-11. Review status: criteria provided, single submitter. Criteria: Invitae Variant Classification Sherloc (09022015). Collection method: clinical testing. Allele origin: germline.
Comment: This sequence change replaces threonine, which is neutral and polar, with alanine, which is neutral and non-polar, at codon 168 of the PLCG2 protein (p.Thr168Ala). This variant is present in population databases (rs753974933, gnomAD 0.003%). This missense change has been observed in individual(s) with PLCG2-related conditions (PMID: 33936634). ClinVar contains an entry for this variant (Variation ID: 432319). An algorithm developed to predict the effect of missense changes on protein structure and function outputs the following: PolyPhen-2: "Benign". The alanine amino acid residue is found in multiple mammalian species, which suggests that this missense change does not adversely affect protein function. In summary, the available evidence is currently insufficient to determine the role of this variant in disease. Therefore, it has been classified as a Variant of Uncertain Significance.

CeGaT Center for Human Genetics Tuebingen
Classification: Likely benign. Last evaluated: 2025-07-01. Review status: criteria provided, single submitter. Criteria: CeGaT Center For Human Genetics Tuebingen Variant Classification Criteria Version 2. Collection method: clinical testing. Allele origin: germline. Affected: yes. Observed: 2 variant alleles.
Comment: PLCG2: BP4

Women's Health and Genetics/Laboratory Corporation of America, LabCorp
Classification: Uncertain significance. Last evaluated: 2024-09-05. Review status: criteria provided, single submitter. Criteria: LabCorp Variant Classification Summary - May 2015. Collection method: clinical testing. Allele origin: germline.
Comment: Variant summary: PLCG2 c.502A>G (p.Thr168Ala) results in a non-conservative amino acid change in the encoded protein sequence. Four of five in-silico tools predict a benign effect of the variant on protein function. The variant allele was found at a frequency of 3.9e-05 in 1622342 control chromosomes. This frequency is not significantly higher than estimated for a pathogenic variant in PLCG2 causing Autoinflammation-PLCG2 Antibody Deficiency-Immune Dysregulation, allowing no conclusion about variant significance. c.502A>G has been reported in the literature in the heterozygous state in at least one individual with Alzheimer disease and in at least one family where it segregated with disease in three individuals affected with common variable immunodeficiency with antibody deficiency and immune dysregulation (Olive_2020, Kutukculer_2021). These data indicate that the variant may be associated with disease. To our knowledge, no experimental evidence demonstrating an impact on protein function has been reported. The following publications have been ascertained in the context of this evaluation (PMID: 33936634, 32894242). ClinVar contains an entry for this variant (Variation ID: 432319). Based on the evidence outlined above, the variant was classified as VUS-possibly pathogenic.

Fulgent Genetics
Classification: Uncertain significance for Familial cold autoinflammatory syndrome 3; Autoinflammation-PLCG2-associated antibody deficiency-immune dysregulation. Last evaluated: 2022-04-27. Review status: criteria provided, single submitter. Criteria: ACMG Guidelines, 2015. Collection method: clinical testing. Allele origin: unknown.

GeneDx
Classification: Uncertain significance. Last evaluated: 2017-06-01. Review status: criteria provided, single submitter. Criteria: GeneDx Variant Classification (06012015). Collection method: clinical testing. Allele origin: germline. Affected: yes.
Comment: The T168A variant in the PLCG2 gene has not been reported previously as a pathogenic variant, nor as a benign variant, to our knowledge. The T168A variant is observed in 1/66726 (0.003%) alleles from individuals of European non-Finnish background in the ExAC dataset (Lek et al., 2016). The T168A variant is a non-conservative amino acid substitution, which is likely to impact secondary protein structure as these residues differ in polarity, charge, size and/or other properties. However, this substitution occurs at a position that is not conserved across species, and in silico analysis predicts this variant likely does not alter the protein structure/function. We interpret T168A as a variant of uncertain significance.

Literature cited by the submitters: PubMed 33936634 (cited by Labcorp Genetics (formerly Invitae), Labcorp and Women's Health and Genetics/Laboratory Corporation of America, LabCorp); PubMed 32894242 (cited by Women's Health and Genetics/Laboratory Corporation of America, LabCorp).